The following is an entry in ClinVar:

NM_174936.4(PCSK9):c.791C>T (p.Thr264Ile)

Gene: PCSK9 (proprotein convertase subtilisin/kexin type 9; plus strand). Cytogenetic location: 1p32.3.
Variant type: single nucleotide variant.
Coding change: c.791C>T on transcript NM_174936.4 (MANE Select); coding-DNA position 791, C replaced by T.
Protein change: p.Thr264Ile; replaces threonine 264 with isoleucine.
Molecular consequence: missense variant.
Genome position (GRCh38, 1-based): chr1:55,052,783, C>T. VCF-style: chr1-55052783-C-T. GRCh37 (hg19) VCF-style: chr1-55518456-C-T.
Other names: c.914C>T, p.Thr305Ile (NM_001407240.1); c.599C>T, p.Thr200Ile (NM_001407245.1); c.416C>T, p.Thr139Ile (NM_001407246.1); c.791C>T, p.Thr264Ile (NM_001407247.1, NM_001407241.1, NM_001407244.1); c.794C>T, p.Thr265Ile (NM_001407242.1); c.734C>T, p.Thr245Ile (NM_001407243.1); short protein forms T264I, T245I, T265I, T139I, T200I, T305I.
Identifiers: ClinVar variation 536208 (VCV000536208.23), dbSNP rs201789841, ClinGen allele CA044473.

ClinVar aggregate classification (germline): Conflicting classifications of pathogenicity. Review status: criteria provided, conflicting classifications (1 of 4 stars). 7 submissions from 6 submitters: Uncertain significance (1); Benign (1); Likely benign (5). Last evaluated 2026-01-14.

Conditions:
Hypobetalipoproteinemia. Identifiers: Orphanet 31154, MedGen C0020597, MONDO:0017774.
Familial hypercholesterolemia. Also called: Familial hypercholesterolemias; Familial hypercholesterolaemia. Identifiers: MedGen C0020445, MONDO:0005439.
Hypercholesterolemia, autosomal dominant, 3 (FHCL3). Also called: Familial Hypercholesterolemia, Autosomal Dominant, 3; Familial hypercholesterolemia 3; PCSK9-Related Familial Hypercholesterolemia, Autosomal Dominant. Identifiers: MedGen C1863551, MONDO:0011369, OMIM 603776.
Cardiovascular phenotype. Identifiers: MedGen CN230736.

Allele frequency attached by ClinVar (database versions not stated): TOPMed 0.00002; gnomAD 0.00003; 1000 Genomes Project 30x 0.00016; 1000 Genomes Project 0.00020.

Submissions (7):

Labcorp Genetics (formerly Invitae), Labcorp
Classification: Likely benign for Hypercholesterolemia, autosomal dominant, 3. Last evaluated: 2026-01-14. Review status: criteria provided, single submitter. Criteria: Invitae Variant Classification Sherloc (09022015). Collection method: clinical testing. Allele origin: germline.

Color Diagnostics, LLC DBA Color Health
Classification: Likely benign for Familial hypercholesterolemia. Last evaluated: 2024-09-05. Review status: criteria provided, single submitter. Criteria: ACMG Guidelines, 2015. Collection method: clinical testing. Allele origin: germline.

All of Us Research Program, National Institutes of Health
Classification: Likely benign for Hypercholesterolemia, autosomal dominant, 3. Last evaluated: 2023-11-30. Review status: criteria provided, single submitter. Criteria: ACMG Guidelines, 2015. Collection method: clinical testing. Allele origin: germline. Inheritance: Autosomal dominant inheritance. Observed: 4 variant alleles, 4 heterozygotes.
Comment: This study involves interpretation of variants in research participants for the purpose of population health screening. Participant phenotype was not available at the time of variant classification. Additional details can be found in publication PMID: 35346344, PMCID: PMC8962531

Women's Health and Genetics/Laboratory Corporation of America, LabCorp
Classification: Likely benign. Last evaluated: 2021-08-23. Review status: criteria provided, single submitter. Criteria: LabCorp Variant Classification Summary - May 2015. Collection method: clinical testing. Allele origin: germline.
Comment: Variant summary: PCSK9 c.791C>T (p.Thr264Ile) results in a non-conservative amino acid change located in the Proteinase K-like catalytic domain of the encoded protein sequence. Four of five in-silico tools predict a benign effect of the variant on protein function. The variant allele was found at a frequency of 9.7e-05 in 247838 control chromosomes, predominantly at a frequency of 0.0013 within the East Asian subpopulation in the gnomAD database. The observed variant frequency within East Asian control individuals in the gnomAD database is approximately 34.67 fold of the estimated maximal expected allele frequency for a pathogenic variant in PCSK9 causing Familial Hypercholesterolemia phenotype (3.8e-05), strongly suggesting that the variant is a benign polymorphism found primarily in populations of East Asian origin. c.791C>T has been reported in the literature in individuals affected with Familial Hypercholesterolemia, without strong evidence for causality (Ohta_2016, Hori_2019). These reports do not provide unequivocal conclusions about association of the variant with Familial Hypercholesterolemia. To our knowledge, no experimental evidence demonstrating an impact on protein function has been reported. Four clinical diagnostic laboratories have submitted clinical-significance assessments for this variant to ClinVar after 2014 without evidence for independent evaluation. Three classified the variant as likely benign/benign while one classified the variant as VUS. Based on the evidence outlined above, the variant was classified as likely benign.

Ambry Genetics
Classification: Likely benign for Cardiovascular phenotype. Last evaluated: 2019-09-14. Review status: criteria provided, single submitter. Criteria: Ambry Variant Classification Scheme 2023. Collection method: clinical testing. Allele origin: germline.

Illumina Laboratory Services, Illumina
Classification: Uncertain significance for Hypobetalipoproteinemia. Last evaluated: 2017-05-02. Review status: criteria provided, single submitter. Criteria: ICSL Variant Classification Criteria 13 December 2019. Collection method: clinical testing. Allele origin: germline.

Illumina Laboratory Services, Illumina
Classification: Benign for Hypercholesterolemia, autosomal dominant, 3. Last evaluated: 2017-05-02. Review status: criteria provided, single submitter. Criteria: ICSL Variant Classification Criteria 13 December 2019. Collection method: clinical testing. Allele origin: germline.
Comment: This variant was observed as part of a predisposition screen in an ostensibly healthy population. A literature search was performed for the gene, cDNA change, and amino acid change (where applicable). Publications were found based on this search. The evidence from the literature, in combination with allele frequency data from public databases where available, was sufficient to rule this variant out of causing disease. Therefore, this variant is classified as benign.

Literature cited by the submitters: PubMed 31491741 (cited by Women's Health and Genetics/Laboratory Corporation of America, LabCorp); PubMed 27206942 (cited by Women's Health and Genetics/Laboratory Corporation of America, LabCorp and Illumina Laboratory Services, Illumina).